The following is an entry in ClinVar:

ClinVar aggregate classification (germline): Uncertain significance. Review status: criteria provided, multiple submitters, no conflicts (2 of 4 stars). 2 submissions from 2 submitters: Uncertain significance (2). Last evaluated 2025-12-15.

Conditions:
Pyruvate dehydrogenase E1-beta deficiency (PDHBD). Identifiers: Orphanet 255138, Orphanet 765, MedGen C3279841, MONDO:0013580, OMIM 614111.
Inborn genetic diseases. Identifiers: MedGen C0950123, MeSH D030342.

gnomAD v4.1: 21 of 1,607,188 alleles (0.0013%); highest among the groups gnomAD compares: Non-Finnish European, 0.0017%; no homozygotes.

Submissions (2):

Labcorp Genetics (formerly Invitae), Labcorp
Classification: Uncertain significance for Pyruvate dehydrogenase E1-beta deficiency. Last evaluated: 2025-12-15. Review status: criteria provided, single submitter. Criteria: Invitae Variant Classification Sherloc (09022015). Collection method: clinical testing. Allele origin: germline.
Comment: This sequence change replaces glutamic acid, which is acidic and polar, with valine, which is neutral and non-polar, at codon 259 of the PDHB protein (p.Glu259Val). This variant is present in population databases (no rsID available, gnomAD 0.007%). This variant has not been reported in the literature in individuals affected with PDHB-related conditions. ClinVar contains an entry for this variant (Variation ID: 3416484). Invitae Evidence Modeling of protein sequence and biophysical properties (such as structural, functional, and spatial information, amino acid conservation, physicochemical variation, residue mobility, and thermodynamic stability) indicates that this missense variant is not expected to disrupt PDHB protein function with a negative predictive value of 80%. In summary, the available evidence is currently insufficient to determine the role of this variant in disease. Therefore, it has been classified as a Variant of Uncertain Significance.

Ambry Genetics
Classification: Uncertain significance for Inborn genetic diseases. Last evaluated: 2024-08-28. Review status: criteria provided, single submitter. Criteria: Ambry Variant Classification Scheme 2023. Collection method: clinical testing. Allele origin: germline.

NM_000925.4(PDHB):c.776A>T (p.Glu259Val)

Gene: PDHB (pyruvate dehydrogenase E1 subunit beta; minus strand). Cytogenetic location: 3p14.3.
Variant type: single nucleotide variant.
Coding change: c.776A>T on transcript NM_000925.4 (MANE Select); coding-DNA position 776, A replaced by T.
Protein change: p.Glu259Val; replaces glutamic acid 259 with valine.
Molecular consequence: missense variant. On other transcripts: non-coding transcript variant (1).
Genome position (GRCh38, 1-based): chr3:58,429,724, T>A on the plus strand (A>T on the coding strand, the complement: PDHB is on the minus strand). VCF-style: chr3-58429724-T-A. GRCh37 (hg19) VCF-style: chr3-58415451-T-A.
Other names: c.722A>T, p.Glu241Val (NM_001173468.2, NM_001315536.2); short protein forms E241V, E259V.
Identifiers: ClinVar variation 3416484 (VCV003416484.2).